The following is an entry in ClinVar:

ClinVar aggregate classification (germline): Uncertain significance (1 of 4 stars; one submission).

Conditions:
Atrial fibrillation, familial, 7 (ATFB7). Identifiers: MedGen C2677106, MONDO:0012828, OMIM 612240.

Allele frequency attached by ClinVar (database versions not stated): gnomAD exomes below 0.00001; TOPMed below 0.00001.

Submission:

Labcorp Genetics (formerly Invitae), Labcorp
Classification: Uncertain significance for Atrial fibrillation, familial, 7. Last evaluated: 2025-09-01. Review status: criteria provided, single submitter. Criteria: Invitae Variant Classification Sherloc (09022015). Collection method: clinical testing. Allele origin: germline.
Comment: This sequence change replaces glycine, which is neutral and non-polar, with glutamic acid, which is acidic and polar, at codon 567 of the KCNA5 protein (p.Gly567Glu). This variant is not present in population databases (gnomAD no frequency). This variant has not been reported in the literature in individuals affected with KCNA5-related conditions. ClinVar contains an entry for this variant (Variation ID: 2905525). An algorithm developed to predict the effect of missense changes on protein structure and function (PolyPhen-2) suggests that this variant is likely to be tolerated. In summary, the available evidence is currently insufficient to determine the role of this variant in disease. Therefore, it has been classified as a Variant of Uncertain Significance.

NM_002234.4(KCNA5):c.1700G>A (p.Gly567Glu)

Gene: KCNA5 (potassium voltage-gated channel subfamily A member 5; plus strand). Cytogenetic location: 12p13.32.
Variant type: single nucleotide variant.
Coding change: c.1700G>A on transcript NM_002234.4 (MANE Select); coding-DNA position 1700, G replaced by A.
Protein change: p.Gly567Glu; replaces glycine 567 with glutamic acid.
Molecular consequence: missense variant.
Genome position (GRCh38, 1-based): chr12:5,045,847, G>A. VCF-style: chr12-5045847-G-A. GRCh37 (hg19) VCF-style: chr12-5155013-G-A.
Other names: short protein forms G567E.
Identifiers: ClinVar variation 2905525 (VCV002905525.3), dbSNP rs1862772314, ClinGen allele CA383467041.